The following is an entry in ClinVar:

ClinVar aggregate classification (germline): Uncertain significance. Review status: criteria provided, multiple submitters, no conflicts (2 of 4 stars). 2 submissions from 2 submitters: Uncertain significance (2). Last evaluated 2025-08-03.

Conditions:
Immunodeficiency. Identifiers: MedGen C0021051, MONDO:0021094, HP:0002721.

Allele frequency attached by ClinVar (database versions not stated): ExAC 0.00007; ESP Exome Variant Server 0.00008; TOPMed 0.00008; gnomAD exomes 0.00009 and 0.00013; gnomAD 0.00010; 1000 Genomes Project 30x 0.00016; 1000 Genomes Project 0.00020.
gnomAD v4.1: 207 of 1,614,218 alleles (0.013%); highest among the groups gnomAD compares: Middle Eastern, 0.033%; no homozygotes.

Submissions (2):

Labcorp Genetics (formerly Invitae), Labcorp
Classification: Uncertain significance for Immunodeficiency. Last evaluated: 2025-08-03. Review status: criteria provided, single submitter. Criteria: Invitae Variant Classification Sherloc (09022015). Collection method: clinical testing. Allele origin: germline.
Comment: This sequence change replaces asparagine, which is neutral and polar, with serine, which is neutral and polar, at codon 1212 of the NFAT5 protein (p.Asn1212Ser). This variant is present in population databases (rs190491342, gnomAD 0.02%). This variant has not been reported in the literature in individuals affected with NFAT5-related conditions. ClinVar contains an entry for this variant (Variation ID: 957660). An algorithm developed to predict the effect of missense changes on protein structure and function (PolyPhen-2) suggests that this variant is likely to be tolerated. In summary, the available evidence is currently insufficient to determine the role of this variant in disease. Therefore, it has been classified as a Variant of Uncertain Significance.

Ambry Genetics
Classification: Uncertain significance. Last evaluated: 2025-03-10. Review status: criteria provided, single submitter. Criteria: Ambry Variant Classification Scheme 2023. Collection method: clinical testing. Allele origin: germline.

NM_138713.4(NFAT5):c.3917A>G (p.Asn1306Ser)

Gene: NFAT5 (nuclear factor of activated T cells 5; plus strand). Cytogenetic location: 16q22.1.
Variant type: single nucleotide variant.
Coding change: c.3917A>G on transcript NM_138713.4 (MANE Select); coding-DNA position 3917, A replaced by G.
Protein change: p.Asn1306Ser; replaces asparagine 1306 with serine.
Molecular consequence: missense variant.
Genome position (GRCh38, 1-based): chr16:69,693,742, A>G. VCF-style: chr16-69693742-A-G. GRCh37 (hg19) VCF-style: chr16-69727645-A-G.
Other names: c.3914A>G, p.Asn1305Ser (NM_001113178.3); c.3242A>G, p.Asn1081Ser (NM_001367709.1); c.3863A>G, p.Asn1288Ser (NM_006599.4); c.3635A>G, p.Asn1212Ser (NM_138714.4, NM_173214.3, NM_173215.3); c.3917A>G (NM_138713.3); short protein forms N1305S, N1306S, N1081S, N1212S, N1288S.
Identifiers: ClinVar variation 957660 (VCV000957660.9), dbSNP rs190491342, ClinGen allele CA8135983.